The following is an entry in ClinVar:

ClinVar aggregate classification (germline): Pathogenic (1 of 4 stars; one submission).

Conditions:
Sotos syndrome (SOTOS). Also called: CHROMOSOME 5q35 DELETION SYNDROME; SOTOS SYNDROME 1; CEREBRAL GIGANTISM; Sotos' syndrome; Distinctive facial appearance, overgrowth in childhood, and learning disabilities or delayed development. Identifiers: Orphanet 821, MedGen C0175695, MONDO:0019349, OMIM 117550.

Submission:

Juno Genomics, Hangzhou Juno Genomics, Inc
Classification: Pathogenic for Sotos syndrome. Review status: criteria provided, single submitter. Criteria: ACMG Guidelines, 2015. Collection method: clinical testing. Allele origin: germline. Affected: yes.
Comment: Absent from controls (or at extremely low frequency if recessive) in Genome Aggregation Database, Exome Sequencing Project, 1000 Genomes Project, or Exome Aggregation Consortium.;Null variant in a gene where loss of function (LOF) is a known mechanism of disease.;Assumed de novo, but without confirmation of paternity and maternity.;The prevalence of the variant in affected individuals is significantly increased compared to the prevalence in controls.

NM_022455.5(NSD1):c.6316A>T (p.Lys2106Ter)

Gene: NSD1 (nuclear receptor binding SET domain protein 1; plus strand). Cytogenetic location: 5q35.3.
Variant type: single nucleotide variant.
Coding change: c.6316A>T on transcript NM_022455.5 (MANE Select); coding-DNA position 6316, A replaced by T.
Protein change: p.Lys2106Ter; replaces lysine 2106 with a stop codon.
Molecular consequence: nonsense.
Genome position (GRCh38, 1-based): chr5:177,292,011, A>T. VCF-style: chr5-177292011-A-T. GRCh37 (hg19) VCF-style: chr5-176719012-A-T.
Other names: c.5443A>T, p.Lys1815Ter (NM_001365684.2, NM_001409308.1, NM_172349.5); c.6316A>T, p.Lys2106Ter (NM_001409301.1, NM_001409302.1, NM_001409303.1); c.5896A>T, p.Lys1966Ter (NM_001409304.1); c.5563A>T, p.Lys1855Ter (NM_001409305.1); c.5554A>T, p.Lys1852Ter (NM_001409306.1, NM_001409307.1); c.5194A>T, p.Lys1732Ter (NM_001409309.1); short protein forms K1732*, K1815*, K1852*, K1855*, K1966*, K2106*.
Identifiers: ClinVar variation 3392477 (VCV003392477.2).
Genomic context (GRCh38, chr5:177,292,011, plus strand): 5'-TAGAATCAACCCATTGCCACGGAAGAAAAGTCAAAGAAATTCAAGAAGAAGCAACAGGGA[A>T]AGCGCAGGACCCAGGGTGAAATCACAAAGGAGCGAGAAGATGAGTGTTTTAGTTGTGGGG-3'